The following is an entry in ClinVar:

NM_015404.4(WHRN):c.63G>A (p.Ala21=)

Gene: WHRN (whirlin; minus strand). Cytogenetic location: 9q32.
Variant type: single nucleotide variant.
Coding change: c.63G>A on transcript NM_015404.4 (MANE Select); coding-DNA position 63, G replaced by A.
Protein change: p.Ala21=; no amino-acid change (alanine 21 retained).
Molecular consequence: synonymous variant.
Genome position (GRCh38, 1-based): chr9:114,504,739, C>T on the plus strand (G>A on the coding strand, the complement: WHRN is on the minus strand). VCF-style: chr9-114504739-C-T. GRCh37 (hg19) VCF-style: chr9-117267019-C-T.
Other names: c.63G>A, p.Ala21= (NM_001173425.2).
Identifiers: ClinVar variation 3906749 (VCV003906749.1).
Genomic context (GRCh38, chr9:114,504,739, plus strand): 5'-CTGGCGCACGTTGGCAGACAGTAACCGCAGCCCCGCGCCCCCGCCGCCGCCCGCCCCGGC[C>T]GCCGAGCCCAGCGAGCCGGTGGAGGACGAGCTCACCGACAGGCCGTCCAGCGGCGCGTTC-3'
Protein context (NP_056219.3, residues 11-31): SSSSTGSLGS[Ala21=]AGAGGGGGAG

ClinVar aggregate classification (germline): Uncertain significance (1 of 4 stars; one submission).

gnomAD v4.1: 2 of 1,508,708 alleles (0.00013%); no homozygotes.

Submission:

GeneDx
Classification: Uncertain significance. Last evaluated: 2024-12-19. Review status: criteria provided, single submitter. Criteria: GeneDx Variant Classification Process June 2021. Collection method: clinical testing. Allele origin: germline. Affected: yes.
Comment: Not observed at significant frequency in large population cohorts (gnomAD); In silico analysis indicates that this variant does not alter splicing; Has not been previously published as pathogenic or benign to our knowledge